The following is an entry in ClinVar:

NM_001267550.2(TTN):c.17823del (p.Ile5941fs)

Gene: TTN (titin; minus strand). Cytogenetic location: 2q31.2.
Variant type: Deletion.
Coding change: c.17823del on transcript NM_001267550.2 (MANE Select); coding-DNA position 17823, one base deleted (A; older notation c.17823delA).
Protein change: p.Ile5941fs; shifts the reading frame from isoleucine 5941.
Molecular consequence: frameshift variant. On other transcripts: intron variant (3).
Genome position (GRCh38, 1-based): chr2:178,730,710, T deleted on the plus strand (A on the coding strand, the reverse complement: TTN is on the minus strand). VCF-style (leftmost placement, unchanged base first): chr2-178730709-CT-C. GRCh37 (hg19) VCF-style: chr2-179595436-CT-C.
Other names: c.16872del, p.Ile5624fs (NM_001256850.1); c.14091del, p.Ile4697fs (NM_133378.4); c.13282+7372del (NM_003319.4); c.13858+7372del (NM_133437.4); c.13657+7372del (NM_133432.3); short protein forms I4697fs, I5941fs, I5624fs.
Identifiers: ClinVar variation 1432226 (VCV001432226.7), dbSNP rs2154308403, ClinGen allele CA2573133964.

ClinVar aggregate classification (germline): Likely pathogenic. Review status: criteria provided, multiple submitters, no conflicts (2 of 4 stars). 2 submissions from 2 submitters: Likely pathogenic (2). Last evaluated 2025-08-18.

Conditions:
Autosomal recessive limb-girdle muscular dystrophy type 2J (LGMDR10). Also called: MUSCULAR DYSTROPHY, LIMB-GIRDLE, AUTOSOMAL RECESSIVE 10; Limb-girdle muscular dystrophy, type 2J. Identifiers: Orphanet 140922, MedGen C1837342, MONDO:0012127, OMIM 608807.
Dilated cardiomyopathy 1G (CMD1G). Identifiers: Orphanet 154, MedGen C1858763, MONDO:0011400, OMIM 604145.

Submissions (2):

Labcorp Genetics (formerly Invitae), Labcorp
Classification: Likely pathogenic for Dilated cardiomyopathy 1G; Autosomal recessive limb-girdle muscular dystrophy type 2J. Last evaluated: 2025-08-18. Review status: criteria provided, single submitter. Criteria: Invitae Variant Classification Sherloc (09022015). Collection method: clinical testing. Allele origin: germline.
Comment: This sequence change creates a premature translational stop signal (p.Ile5941Metfs*8) in the TTN gene. While this is not anticipated to result in nonsense mediated decay, it is expected to create a truncated TTN protein. This variant is not present in population databases (gnomAD no frequency). This variant has not been observed in the literature in individuals with autosomal recessive TTN-related conditions. This variant has been reported in individual(s) with autosomal dominant dilated cardiomyopathy (PMID: 27813223); however, the role of the variant in this condition is currently unclear. ClinVar contains an entry for this variant (Variation ID: 1432226). Algorithms developed to predict the effect of sequence changes on RNA splicing suggest that this variant may disrupt the consensus splice site. This variant is located in the I band of TTN (PMID: 25589632). Truncating variants in this region have been reported in individuals affected with autosomal recessive centronuclear myopathy (PMID: 23975875, internal data). Truncating variants in this region have also been identified in individuals affected with autosomal dominant dilated cardiomyopathy and/or cardio-related conditions (PMID: 27869827, 32964742, internal data). In summary, the currently available evidence indicates that the variant is pathogenic, but additional data are needed to prove that conclusively. Therefore, this variant has been classified as Likely Pathogenic.

Variantyx, Inc.
Classification: Likely pathogenic for Autosomal recessive limb-girdle muscular dystrophy type 2J. Last evaluated: 2025-03-19. Review status: criteria provided, single submitter. Criteria: Variantyx Assertion Criteria 2022. Collection method: clinical testing. Allele origin: germline.
Comment: This is a frameshift variant in the TTN gene (OMIM: 188840). Pathogenic variants in this gene have been associated with autosomal dominant and autosomal recessive TTN-related disorders. This variant introduces a premature termination codon in exon 61 out of 363. It is expected to result in loss of function, which is a known disease mechanism for TTN in this disorder (PVS1). This variant has a 0.0005% maximum allele frequency in non-founder control populations (PM2_Supporting). It is unknown whether these variants are in cis (on the same chromosome) or in trans (on opposite chromosomes).

Literature cited by the submitters: PubMed 27813223 (cited by Labcorp Genetics (formerly Invitae), Labcorp); PubMed 25589632 (cited by Labcorp Genetics (formerly Invitae), Labcorp); PubMed 23975875 (cited by Labcorp Genetics (formerly Invitae), Labcorp); PubMed 27869827 (cited by Labcorp Genetics (formerly Invitae), Labcorp); PubMed 32964742 (cited by Labcorp Genetics (formerly Invitae), Labcorp).